The following is an entry in ClinVar:

NM_001243279.3(ACSF3):c.358G>T (p.Gly120Cys)

Gene: ACSF3 (acyl-CoA synthetase family member 3; plus strand). Cytogenetic location: 16q24.3.
Variant type: single nucleotide variant.
Coding change: c.358G>T on transcript NM_001243279.3 (MANE Select); coding-DNA position 358, G replaced by T.
Protein change: p.Gly120Cys; replaces glycine 120 with cysteine.
Molecular consequence: missense variant. On other transcripts: non-coding transcript variant (3), intron variant (1).
Genome position (GRCh38, 1-based): chr16:89,101,039, G>T. VCF-style: chr16-89101039-G-T. GRCh37 (hg19) VCF-style: chr16-89167447-G-T.
Other names: c.358G>T, p.Gly120Cys (NM_001127214.4, NM_174917.5); c.-129-1565G>T (NM_001284316.2); short protein forms G120C.
Identifiers: ClinVar variation 3683026 (VCV003683026.2).

ClinVar aggregate classification (germline): Uncertain significance (1 of 4 stars; one submission).

Conditions:
Combined malonic and methylmalonic acidemia. Identifiers: Orphanet 289504, MedGen C3280314, MONDO:0013661, OMIM 614265.

gnomAD v4.1: 2 of 1,613,860 alleles (0.00012%); highest among the groups gnomAD compares: Non-Finnish European, 0.00017%; no homozygotes.

Submission:

Labcorp Genetics (formerly Invitae), Labcorp
Classification: Uncertain significance for Combined malonic and methylmalonic acidemia. Last evaluated: 2024-03-13. Review status: criteria provided, single submitter. Criteria: Invitae Variant Classification Sherloc (09022015). Collection method: clinical testing. Allele origin: germline.
Comment: This sequence change replaces glycine, which is neutral and non-polar, with cysteine, which is neutral and slightly polar, at codon 120 of the ACSF3 protein (p.Gly120Cys). This variant is not present in population databases (gnomAD no frequency). This variant has not been reported in the literature in individuals affected with ACSF3-related conditions. Advanced modeling of protein sequence and biophysical properties (such as structural, functional, and spatial information, amino acid conservation, physicochemical variation, residue mobility, and thermodynamic stability) has been performed at Invitae for this missense variant, however the output from this modeling did not meet the statistical confidence thresholds required to predict the impact of this variant on ACSF3 protein function. In summary, the available evidence is currently insufficient to determine the role of this variant in disease. Therefore, it has been classified as a Variant of Uncertain Significance.